The following is an entry in ClinVar:

ClinVar aggregate classification (germline): Likely benign (1 of 4 stars; one submission).

Allele frequency attached by ClinVar (database versions not stated): gnomAD 0.00001; gnomAD exomes 0.00001; TOPMed 0.00001.
gnomAD v4.1: 28 of 1,503,170 alleles (0.0019%); highest among the groups gnomAD compares: Middle Eastern, 0.1%; no homozygotes.

Submission:

CeGaT Center for Human Genetics Tuebingen
Classification: Likely benign. Last evaluated: 2023-06-01. Review status: criteria provided, single submitter. Criteria: CeGaT Center For Human Genetics Tuebingen Variant Classification Criteria Version 2. Collection method: clinical testing. Allele origin: germline. Affected: yes. Observed: 1 variant allele.
Comment: NOS3: BP4, BS2

NM_000603.5(NOS3):c.2325-6C>T

Gene: NOS3 (nitric oxide synthase 3; plus strand). Cytogenetic location: 7q36.1.
Variant type: single nucleotide variant.
Coding change: c.2325-6C>T on transcript NM_000603.5 (MANE Select); 6 bases into the intron before coding-DNA position 2325, C replaced by T.
Molecular consequence: intron variant.
Genome position (GRCh38, 1-based): chr7:151,009,392, C>T. VCF-style: chr7-151009392-C-T. GRCh37 (hg19) VCF-style: chr7-150706480-C-T.
Identifiers: ClinVar variation 2658166 (VCV002658166.24), dbSNP rs1051395795, ClinGen allele CA169077409.